The following is an entry in ClinVar:

ClinVar aggregate classification (germline): Conflicting classifications of pathogenicity. Review status: criteria provided, conflicting classifications (1 of 4 stars). 3 submissions from 3 submitters: Uncertain significance (1); Likely benign (1). 1 of the submissions does not count toward it. Last evaluated 2025-02-20.

Conditions:
Duchenne muscular dystrophy (DMD). Also called: MUSCULAR DYSTROPHY, PSEUDOHYPERTROPHIC PROGRESSIVE, DUCHENNE TYPE; Duchenne Muscular Dystrophy (DMD). Identifiers: Orphanet 98896, MedGen C0013264, MONDO:0010679, OMIM 310200.
Cardiovascular phenotype. Identifiers: MedGen CN230736.
Cardiomyopathy (CMYO). Also called: Cardiomyopathies. Identifiers: Orphanet 167848, MedGen C0878544, MONDO:0004994, HP:0001638. Inheritance: Various modes of inheritance.
Becker muscular dystrophy (BMD). Also called: MUSCULAR DYSTROPHY, PSEUDOHYPERTROPHIC PROGRESSIVE, BECKER TYPE; Becker Muscular Dystrophy (BMD). Identifiers: Orphanet 98895, MedGen C0917713, MONDO:0010311, OMIM 300376.
Dystrophin deficiency.

Allele frequency attached by ClinVar (database versions not stated): gnomAD exomes 0.00001.

Submissions (3):

Labcorp Genetics (formerly Invitae), Labcorp
Classification: Uncertain significance for Duchenne muscular dystrophy. Last evaluated: 2025-02-20. Review status: criteria provided, single submitter. Criteria: Invitae Variant Classification Sherloc (09022015). Collection method: clinical testing. Allele origin: germline.
Comment: This sequence change replaces methionine, which is neutral and non-polar, with isoleucine, which is neutral and non-polar, at codon 1982 of the DMD protein (p.Met1982Ile). The frequency data for this variant in the population databases is considered unreliable, as metrics indicate poor data quality at this position in the gnomAD database. This variant has not been reported in the literature in individuals affected with DMD-related conditions. ClinVar contains an entry for this variant (Variation ID: 455915). Invitae Evidence Modeling of protein sequence and biophysical properties (such as structural, functional, and spatial information, amino acid conservation, physicochemical variation, residue mobility, and thermodynamic stability) indicates that this missense variant is not expected to disrupt DMD protein function with a negative predictive value of 95%. In summary, the available evidence is currently insufficient to determine the role of this variant in disease. Therefore, it has been classified as a Variant of Uncertain Significance.

Ambry Genetics
Classification: Likely benign for Cardiovascular phenotype. Last evaluated: 2024-10-18. Review status: criteria provided, single submitter. Criteria: Ambry Variant Classification Scheme 2023. Collection method: clinical testing. Allele origin: germline.

Natera, Inc.
Classification: Uncertain significance for Becker muscular dystrophy; Cardiomyopathy; Duchenne muscular dystrophy; Dystrophin deficiency. Last evaluated: 2019-07-11. Review status: no assertion criteria provided. Collection method: clinical testing. Allele origin: germline. Not counted in ClinVar's aggregate classification.

NM_004006.3(DMD):c.5946G>A (p.Met1982Ile)

Gene: DMD (dystrophin; minus strand). Cytogenetic location: Xp21.1.
Variant type: single nucleotide variant.
Coding change: c.5946G>A on transcript NM_004006.3 (MANE Select); coding-DNA position 5946, G replaced by A.
Protein change: p.Met1982Ile; replaces methionine 1982 with isoleucine.
Molecular consequence: missense variant.
Genome position (GRCh38, 1-based): chrX:32,310,253, C>T on the plus strand (G>A on the coding strand, the complement: DMD is on the minus strand). VCF-style: chrX-32310253-C-T. GRCh37 (hg19) VCF-style: chrX-32328370-C-T.
Other names: c.5922G>A, p.Met1974Ile (NM_000109.4); c.5934G>A, p.Met1978Ile (NM_004009.3); c.5577G>A, p.Met1859Ile (NM_004010.3); c.1923G>A, p.Met641Ile (NM_004011.4); c.1914G>A, p.Met638Ile (NM_004012.4); short protein forms M1982I, M1978I, M1859I, M1974I, M638I, M641I.
Identifiers: ClinVar variation 455915 (VCV000455915.9), dbSNP rs1241760732, ClinGen allele CA412670157.